The following is an entry in ClinVar:

ClinVar aggregate classification (germline): Conflicting classifications of pathogenicity. Review status: criteria provided, conflicting classifications (1 of 4 stars). 4 submissions from 4 submitters: Uncertain significance (1); Benign (1); Likely benign (2). Last evaluated 2025-12-23.

Conditions:
Hereditary cancer-predisposing syndrome. Also called: Neoplastic Syndromes, Hereditary; Tumor predisposition; Hereditary neoplastic syndrome; Hereditary Cancer Syndrome. Identifiers: Orphanet 140162, MedGen C0027672, MeSH D009386, MONDO:0015356.
BAP1-related tumor predisposition syndrome (TPDS1). Also called: Tumor susceptibility linked to germline BAP1 mutations; BAP1 tumor predisposition syndrome; TUMOR PREDISPOSITION SYNDROME 1; COMMON Syndrome. Identifiers: Orphanet 289539, MedGen C3280492, MONDO:0013692, OMIM 614327.

Allele frequency attached by ClinVar (database versions not stated): gnomAD below 0.00001 and 0.00002; TOPMed 0.00001; gnomAD exomes 0.00002 and 0.00005; ExAC 0.00004; 1000 Genomes Project 30x 0.00016; 1000 Genomes Project 0.00020.
gnomAD v4.1: 39 of 1,614,138 alleles (0.0024%); highest among the groups gnomAD compares: South Asian, 0.04%; 1 homozygote.

Submissions (4):

Labcorp Genetics (formerly Invitae), Labcorp
Classification: Uncertain significance for BAP1-related tumor predisposition syndrome. Last evaluated: 2025-12-23. Review status: criteria provided, single submitter. Criteria: Invitae Variant Classification Sherloc (09022015). Collection method: clinical testing. Allele origin: germline.
Comment: This sequence change replaces histidine, which is basic and polar, with proline, which is neutral and non-polar, at codon 274 of the BAP1 protein (p.His274Pro). This variant is present in population databases (rs565400314, gnomAD 0.04%). This variant has not been reported in the literature in individuals affected with BAP1-related conditions. ClinVar contains an entry for this variant (Variation ID: 346123). Invitae Evidence Modeling of protein sequence and biophysical properties (such as structural, functional, and spatial information, amino acid conservation, physicochemical variation, residue mobility, and thermodynamic stability) indicates that this missense variant is not expected to disrupt BAP1 protein function with a negative predictive value of 80%. In summary, the available evidence is currently insufficient to determine the role of this variant in disease. Therefore, it has been classified as a Variant of Uncertain Significance.

Ambry Genetics
Classification: Benign for Hereditary cancer-predisposing syndrome. Last evaluated: 2024-09-21. Review status: criteria provided, single submitter. Criteria: Ambry Variant Classification Scheme 2023. Collection method: clinical testing. Allele origin: germline.

Color Diagnostics, LLC DBA Color Health
Classification: Likely benign for Hereditary cancer-predisposing syndrome. Last evaluated: 2020-01-16. Review status: criteria provided, single submitter. Criteria: ACMG Guidelines, 2015. Collection method: clinical testing. Allele origin: germline.

Illumina Laboratory Services, Illumina
Classification: Likely benign for BAP1-related tumor predisposition syndrome. Last evaluated: 2018-01-12. Review status: criteria provided, single submitter. Criteria: ICSL Variant Classification Criteria 13 December 2019. Collection method: clinical testing. Allele origin: germline.
Comment: This variant was observed in the ICSL laboratory as part of a predisposition screen in an ostensibly healthy population. It had not been previously curated by ICSL or reported in the Human Gene Mutation Database (HGMD: prior to June 1st, 2018), and was therefore a candidate for classification through an automated scoring system. Utilizing variant allele frequency, disease prevalence and penetrance estimates, and inheritance mode, an automated score was calculated to assess if this variant is too frequent to cause the disease. Based on the score and internal cut-off values, a variant classified as likely benign is not then subjected to further curation. The score for this variant resulted in a classification of likely benign for this disease.

NM_004656.4(BAP1):c.821A>C (p.His274Pro)

Gene: BAP1 (BRCA1 associated deubiquitinase 1; minus strand). Cytogenetic location: 3p21.1.
Variant type: single nucleotide variant.
Coding change: c.821A>C on transcript NM_004656.4 (MANE Select); coding-DNA position 821, A replaced by C.
Protein change: p.His274Pro; replaces histidine 274 with proline.
Molecular consequence: missense variant.
Genome position (GRCh38, 1-based): chr3:52,405,875, T>G on the plus strand (A>C on the coding strand, the complement: BAP1 is on the minus strand). VCF-style: chr3-52405875-T-G. GRCh37 (hg19) VCF-style: chr3-52439891-T-G.
Other names: c.821A>C (LRG_529t1); short protein forms H274P.
Identifiers: ClinVar variation 346123 (VCV000346123.18), dbSNP rs565400314, ClinGen allele CA2436985.
Genomic context (GRCh38, chr3:52,405,875, plus strand): 5'-AGCGGGGACTTGTTGCTGGCTGACTTGGACTCCTCAGGCAGCTGTGACTCTTGAGACTTG[T>G]GGGTCTGAATCAGCTCTGGCTGTGTTACTCTTATCAGCTAACAACAGAATCCAGGGCTCA-3'
Protein context (NP_004647.1, residues 264-284): RVTQPELIQT[His274Pro]KSQESQLPEE